The following is an entry in ClinVar:

NM_001378615.1(CC2D2A):c.3495+1G>A

Genes: CC2D2A (coiled-coil and C2 domain containing 2A; plus strand), FBXL5 (F-box and leucine rich repeat protein 5; minus strand). Cytogenetic location: 4p15.32.
Variant type: single nucleotide variant.
Coding change: c.3495+1G>A on transcript NM_001378615.1 (MANE Select); the canonical splice donor site of the intron after coding-DNA position 3495, G replaced by A.
Molecular consequence: splice donor variant.
Genome position (GRCh38, 1-based): chr4:15,569,390, G>A. VCF-style: chr4-15569390-G-A. GRCh37 (hg19) VCF-style: chr4-15571013-G-A.
Other names: c.3495+1G>A (NM_001080522.2); c.3348+1G>A (NM_001378617.1).
Identifiers: ClinVar variation 3751304 (VCV003751304.2).

ClinVar aggregate classification (germline): Likely pathogenic (1 of 4 stars; one submission).

Conditions:
Joubert syndrome. Also called: JOUBERT-BOLTSHAUSER SYNDROME; Familial aplasia of the vermis. Identifiers: Orphanet 475, MedGen C5979921, MONDO:0018772.
Meckel-Gruber syndrome. Also called: DYSENCEPHALIA SPLANCHNOCYSTICA; GRUBER SYNDROME; Dysencephalia splachnocystica. Identifiers: Orphanet 564, MedGen C0265215, MONDO:0018921.

Submission:

Labcorp Genetics (formerly Invitae), Labcorp
Classification: Likely pathogenic for Joubert syndrome; Meckel-Gruber syndrome. Last evaluated: 2024-05-07. Review status: criteria provided, single submitter. Criteria: Invitae Variant Classification Sherloc (09022015). Collection method: clinical testing. Allele origin: germline.
Comment: This sequence change affects a donor splice site in intron 28 of the CC2D2A gene. It is expected to disrupt RNA splicing. Variants that disrupt the donor or acceptor splice site typically lead to a loss of protein function (PMID: 16199547), and loss-of-function variants in CC2D2A are known to be pathogenic (PMID: 19777577). This variant is not present in population databases (gnomAD no frequency). This variant has not been reported in the literature in individuals affected with CC2D2A-related conditions. Algorithms developed to predict the effect of sequence changes on RNA splicing suggest that this variant may disrupt the consensus splice site. In summary, the currently available evidence indicates that the variant is pathogenic, but additional data are needed to prove that conclusively. Therefore, this variant has been classified as Likely Pathogenic.

Literature cited by the submitters: PubMed 16199547; PubMed 19777577.